The following is an entry in ClinVar:

NM_020686.6(ABAT):c.307G>T (p.Val103Phe)

Gene: ABAT (4-aminobutyrate aminotransferase; plus strand). Cytogenetic location: 16p13.2.
Variant type: single nucleotide variant.
Coding change: c.307G>T on transcript NM_020686.6 (MANE Select); coding-DNA position 307, G replaced by T.
Protein change: p.Val103Phe; replaces valine 103 with phenylalanine.
Molecular consequence: missense variant. On other transcripts: intron variant (1).
Genome position (GRCh38, 1-based): chr16:8,750,530, G>T. VCF-style: chr16-8750530-G-T. GRCh37 (hg19) VCF-style: chr16-8844387-G-T.
Other names: c.307G>T, p.Val103Phe (NM_000663.5, NM_001127448.2, NM_001386600.1 and 11 more transcripts); c.172G>T, p.Val58Phe (NM_001386610.1, NM_001386611.1, NM_001386612.1 and 1 more transcripts); c.71-7227G>T (NM_001386614.1); short protein forms V58F, V103F.
Identifiers: ClinVar variation 1372310 (VCV001372310.6), dbSNP rs2142726624, ClinGen allele CA394687980.

ClinVar aggregate classification (germline): Uncertain significance (1 of 4 stars; one submission).

Conditions:
Gamma-aminobutyric acid transaminase deficiency (GABATD). Also called: GABA aminotransaminase deficiency; GABA transaminase deficiency; Gamma aminobutyrate transaminase deficiency; 4 alpha aminobutyrate transaminase deficiency. Identifiers: Orphanet 2066, MedGen C0342708, MONDO:0013166, OMIM 613163.

Submission:

Labcorp Genetics (formerly Invitae), Labcorp
Classification: Uncertain significance for Gamma-aminobutyric acid transaminase deficiency. Last evaluated: 2021-08-03. Review status: criteria provided, single submitter. Criteria: Invitae Variant Classification Sherloc (09022015). Collection method: clinical testing. Allele origin: germline.
Comment: In summary, the available evidence is currently insufficient to determine the role of this variant in disease. Therefore, it has been classified as a Variant of Uncertain Significance. Algorithms developed to predict the effect of missense changes on protein structure and function are either unavailable or do not agree on the potential impact of this missense change (SIFT: "Deleterious"; PolyPhen-2: "Benign"; Align-GVGD: "Class C0"). This variant has not been reported in the literature in individuals affected with ABAT-related conditions. This variant is not present in population databases (ExAC no frequency). This sequence change replaces valine with phenylalanine at codon 103 of the ABAT protein (p.Val103Phe). The valine residue is moderately conserved and there is a small physicochemical difference between valine and phenylalanine.